The following is an entry in ClinVar:

ClinVar aggregate classification (germline): Likely benign (1 of 4 stars; one submission).

Allele frequency attached by ClinVar (database versions not stated): gnomAD exomes below 0.00001; ExAC 0.00001; gnomAD 0.00001; TOPMed 0.00002.
gnomAD v4.1: 3 of 1,208,012 alleles (0.00025%); highest among the groups gnomAD compares: Admixed American, 0.0066%; no homozygotes.

Submission:

Women's Health and Genetics/Laboratory Corporation of America, LabCorp
Classification: Likely benign. Last evaluated: 2023-08-24. Review status: criteria provided, single submitter. Criteria: LabCorp Variant Classification Summary - May 2015. Collection method: clinical testing. Allele origin: germline.
Comment: Variant summary: FGD1 c.481+17A>G alters a non-conserved nucleotide located at a position not widely known to affect splicing. Consensus agreement among computation tools predict no significant impact on normal splicing. However, these predictions have yet to be confirmed by functional studies. The variant allele was found at a frequency of 1.1e-05 in 182250 control chromosomes. The available data on variant occurrences in the general population are insufficient to allow any conclusion about variant significance. To our knowledge, no occurrence of c.481+17A>G in individuals affected with FGFR1-Related Disorders and no experimental evidence demonstrating its impact on protein function have been reported. No submitters have cited clinical-significance assessments for this variant to ClinVar after 2014. Based on the evidence outlined above, the variant was classified as likely benign.

NM_004463.3(FGD1):c.481+17A>G

Gene: FGD1 (FYVE, RhoGEF and PH domain containing 1; minus strand). Cytogenetic location: Xp11.22.
Variant type: single nucleotide variant.
Coding change: c.481+17A>G on transcript NM_004463.3 (MANE Select); 17 bases into the intron after coding-DNA position 481, A replaced by G.
Molecular consequence: intron variant.
Genome position (GRCh38, 1-based): chrX:54,471,297, T>C on the plus strand (A>G on the coding strand, the complement: FGD1 is on the minus strand). VCF-style: chrX-54471297-T-C. GRCh37 (hg19) VCF-style: chrX-54497730-T-C.
Identifiers: ClinVar variation 2581346 (VCV002581346.1), dbSNP rs770309787, ClinGen allele CA10425271.